The following is an entry in ClinVar:

NM_001206999.2(CIT):c.613del (p.Glu204_Leu205insTer)

Gene: CIT (citron rho-interacting serine/threonine kinase; minus strand). Cytogenetic location: 12q24.23.
Variant type: Deletion.
Coding change: c.613del on transcript NM_001206999.2 (MANE Select); coding-DNA position 613, one base deleted (C; older notation c.613delC).
Protein change: p.Glu204_Leu205insTer.
Molecular consequence: nonsense.
Genome position (GRCh38, 1-based): chr12:119,834,132, G deleted on the plus strand (C on the coding strand, the reverse complement: CIT is on the minus strand). VCF-style (leftmost placement, unchanged base first): chr12-119834131-AG-A. GRCh37 (hg19) VCF-style: chr12-120271935-AG-A.
Other names: c.613del, p.Glu204_Leu205insTer (NM_007174.3).
Identifiers: ClinVar variation 4721274 (VCV004721274.1).

ClinVar aggregate classification (germline): Pathogenic (1 of 4 stars; one submission).

Submission:

Labcorp Genetics (formerly Invitae), Labcorp
Classification: Pathogenic. Last evaluated: 2025-06-11. Review status: criteria provided, single submitter. Criteria: Invitae Variant Classification Sherloc (09022015). Collection method: clinical testing. Allele origin: germline.
Comment: This sequence change creates a premature translational stop signal (p.Leu205*) in the CIT gene. It is expected to result in an absent or disrupted protein product. Loss-of-function variants in CIT are known to be pathogenic (PMID: 27453579). This variant is not present in population databases (gnomAD no frequency). This variant has not been reported in the literature in individuals affected with CIT-related conditions. Algorithms developed to predict the effect of sequence changes on RNA splicing suggest that this variant may disrupt the consensus splice site. For these reasons, this variant has been classified as Pathogenic.

Literature cited by the submitters: PubMed 27453579.